The following is an entry in ClinVar:

ClinVar aggregate classification (germline): Pathogenic (1 of 4 stars; one submission).

Conditions:
Developmental and epileptic encephalopathy, 9 (DEE9). Also called: JUBERG-HELLMAN SYNDROME; Early infantile epileptic encephalopathy 9; PCDH19-Related X-Linked Female-Limited Epilepsy with Mental Retardation; EPILEPSY, FEMALE-RESTRICTED, WITH MENTAL RETARDATION. Identifiers: Orphanet 101039, Orphanet 2076, MedGen C1848137, MONDO:0010246, OMIM 300088. Disease mechanism: loss of function.

Submission:

Labcorp Genetics (formerly Invitae), Labcorp
Classification: Pathogenic for Developmental and epileptic encephalopathy, 9. Last evaluated: 2024-03-27. Review status: criteria provided, single submitter. Criteria: Invitae Variant Classification Sherloc (09022015). Collection method: clinical testing. Allele origin: germline.
Comment: This sequence change creates a premature translational stop signal (p.Ser435Cysfs*10) in the PCDH19 gene. It is expected to result in an absent or disrupted protein product. Loss-of-function variants in PCDH19 are known to be pathogenic (PMID: 21053371). This variant is not present in population databases (gnomAD no frequency). This variant has not been reported in the literature in individuals affected with PCDH19-related conditions. For these reasons, this variant has been classified as Pathogenic.

Literature cited by the submitters: PubMed 21053371.

NM_001184880.2(PCDH19):c.1303_1304del (p.Ser435fs)

Gene: PCDH19 (protocadherin 19; minus strand). Cytogenetic location: Xq22.1.
Variant type: Microsatellite.
Coding change: c.1303_1304del on transcript NM_001184880.2 (MANE Select); coding-DNA positions 1303 to 1304, 2 bases deleted (AG; older notation c.1303_1304delAG).
Protein change: p.Ser435fs; shifts the reading frame from serine 435.
Molecular consequence: frameshift variant.
Genome position (GRCh38, 1-based): chrX:100,407,294-100,407,295, CT deleted on the plus strand (AG on the coding strand, the reverse complement: PCDH19 is on the minus strand); deleting any 2 consecutive bases within chrX:100,407,294-100,407,297 gives the same sequence; the c. name uses the placement nearest the transcript's 3' end. VCF-style (leftmost placement, unchanged base first): chrX-100407293-ACT-A. GRCh37 (hg19) VCF-style: chrX-99662291-ACT-A.
Other names: c.1303_1304del, p.Ser435fs (NM_001105243.2, NM_020766.3); short protein forms S435fs.
Identifiers: ClinVar variation 3646447 (VCV003646447.2).